The following is an entry in ClinVar:

NM_001382567.1(STIM1):c.1793C>T (p.Ser598Phe)

Gene: STIM1 (stromal interaction molecule 1; plus strand). Cytogenetic location: 11p15.4.
Variant type: single nucleotide variant.
Coding change: c.1793C>T on transcript NM_001382567.1 (MANE Select); coding-DNA position 1793, C replaced by T.
Protein change: p.Ser598Phe; replaces serine 598 with phenylalanine.
Molecular consequence: missense variant. On other transcripts: 3 prime UTR variant (4), non-coding transcript variant (3).
Genome position (GRCh38, 1-based): chr11:4,091,440, C>T. VCF-style: chr11-4091440-C-T. GRCh37 (hg19) VCF-style: chr11-4112670-C-T.
Other names: c.2018C>T, p.Ser673Phe (NM_001277961.3); c.*114C>T (NM_001277962.2, NM_001382578.1, NM_001382579.1 and 1 more transcripts); c.1796C>T, p.Ser599Phe (NM_001382566.1); c.1721C>T, p.Ser574Phe (NM_001382568.1); c.1565C>T, p.Ser522Phe (NM_001382569.1); c.1472C>T, p.Ser491Phe (NM_001382570.1); c.1220C>T, p.Ser407Phe (NM_001382571.1); c.1478C>T, p.Ser493Phe (NM_001382575.1, NM_001382576.1, NM_001382577.1); and 2 more; short protein forms S404F, S407F, S491F, S493F, S522F, S567F, S574F, S598F.
Identifiers: ClinVar variation 4075598 (VCV004075598.2).

ClinVar aggregate classification (germline): Uncertain significance. Review status: criteria provided, multiple submitters, no conflicts (2 of 4 stars). 2 submissions from 2 submitters: Uncertain significance (2). Last evaluated 2025-02-18.

Submissions (2):

GeneDx
Classification: Uncertain significance. Last evaluated: 2025-02-18. Review status: criteria provided, single submitter. Criteria: GeneDx Variant Classification Process June 2021. Collection method: clinical testing. Allele origin: germline. Affected: yes.
Comment: Not observed at significant frequency in large population cohorts (gnomAD); In silico analysis indicates that this missense variant does not alter protein structure/function; Has not been previously published as pathogenic or benign to our knowledge

Revvity Omics, Revvity
Classification: Uncertain significance. Last evaluated: 2024-07-04. Review status: criteria provided, single submitter. Criteria: ACMG Guidelines, 2015. Collection method: clinical testing. Allele origin: germline.